The following is an entry in ClinVar:

NM_003289.4(TPM2):c.-65C>T

Gene: TPM2 (tropomyosin 2; minus strand). Cytogenetic location: 9p13.3.
Variant type: single nucleotide variant.
Coding change: c.-65C>T on transcript NM_003289.4 (MANE Select); 65 bases upstream of the start codon, C replaced by T.
Molecular consequence: 5 prime UTR variant.
Genome position (GRCh38, 1-based): chr9:35,689,882, G>A on the plus strand (C>T on the coding strand, the complement: TPM2 is on the minus strand). VCF-style: chr9-35689882-G-A. GRCh37 (hg19) VCF-style: chr9-35689879-G-A.
Other names: c.-65C>T (NM_001301226.2, NM_001301227.2, NM_213674.1).
Identifiers: ClinVar variation 366772 (VCV000366772.5), dbSNP rs377242459, ClinGen allele CA10630026.

ClinVar aggregate classification (germline): Benign. Review status: criteria provided, single submitter (1 of 4 stars). 2 submissions from 1 submitter: Benign (2). Last evaluated 2018-01-12.

Conditions:
Congenital myopathy 23 (CMYO23). Also called: CAP MYOPATHY 2; NEMALINE MYOPATHY 4; Nemaline myopathy 4, autosomal dominant. Identifiers: MedGen C1836447, MONDO:0012240, OMIM 609285.
Arthrogryposis, distal, type 1A. Also called: ARTHROGRYPOSIS MULTIPLEX CONGENITA, DISTAL, TYPE I. Identifiers: Orphanet 1146, MedGen C6022280, MONDO:0007157, OMIM 108120.

Allele frequency attached by ClinVar (database versions not stated): gnomAD 0.00003 and 0.00097; TOPMed 0.00015; 1000 Genomes Project 30x 0.00531; 1000 Genomes Project 0.00539.
gnomAD v4.1: 2,497 of 1,610,064 alleles (0.16%); highest among the groups gnomAD compares: South Asian, 2.5%; 56 homozygotes.

Submissions (2):

Illumina Laboratory Services, Illumina
Classification: Benign for Congenital myopathy 23. Last evaluated: 2018-01-12. Review status: criteria provided, single submitter. Criteria: ICSL Variant Classification Criteria 13 December 2019. Collection method: clinical testing. Allele origin: germline.
Comment: This variant was observed in the ICSL laboratory as part of a predisposition screen in an ostensibly healthy population. It had not been previously curated by ICSL or reported in the Human Gene Mutation Database (HGMD: prior to June 1st, 2018), and was therefore a candidate for classification through an automated scoring system. Utilizing variant allele frequency, disease prevalence and penetrance estimates, and inheritance mode, an automated score was calculated to assess if this variant is too frequent to cause the disease. Based on the score and internal cut-off values, a variant classified as benign is not then subjected to further curation. The score for this variant resulted in a classification of benign for this disease.

Illumina Laboratory Services, Illumina
Classification: Benign for Arthrogryposis, distal, type 1A. Last evaluated: 2018-01-12. Review status: criteria provided, single submitter. Criteria: ICSL Variant Classification Criteria 13 December 2019. Collection method: clinical testing. Allele origin: germline.
Comment: the same text as in the submission from Illumina Laboratory Services, Illumina above.